The following is an entry in ClinVar:

ClinVar aggregate classification (germline): Pathogenic/Likely pathogenic. Review status: criteria provided, multiple submitters, no conflicts (2 of 4 stars). 6 submissions from 6 submitters: Pathogenic (5); Likely pathogenic (1). Last evaluated 2025-08-27.

Conditions:
Neurofibromatosis, type 1 (NF1). Also called: NEUROFIBROMATOSIS, TYPE I, SOMATIC; Neurofibromatosis, type I; VON RECKLINGHAUSEN DISEASE; Peripheral type neurofibromatosis. Identifiers: Orphanet 636, MedGen C0027831, MONDO:0018975, OMIM 162200. Disease mechanism: loss of function.
Autosomal dominant NF1-related disorders.
NF1-related disorder. Also called: NF1-related condition. Identifiers: MedGen CN379171.
Cardiovascular phenotype. Identifiers: MedGen CN230736.
Hereditary cancer-predisposing syndrome. Also called: Tumor predisposition; Hereditary neoplastic syndrome; Neoplastic Syndromes, Hereditary; Hereditary Cancer Syndrome. Identifiers: Orphanet 140162, MedGen C0027672, MeSH D009386, MONDO:0015356.

Submissions (6):

Variantyx, Inc.
Classification: Likely pathogenic for Autosomal dominant NF1-related disorders. Last evaluated: 2025-08-27. Review status: criteria provided, single submitter. Criteria: Variantyx Assertion Criteria 2022. Collection method: clinical testing. Allele origin: germline. Inheritance: Autosomal dominant inheritance. Affected: yes.
Comment: This is a nonsense variant in the NF1 gene (OMIM: 613113). Pathogenic variants in this gene have been associated with autosomal dominant NF1-related disorders. This variant introduces a premature termination codon in exon 32 out of 58 and is expected to result in loss of function, which is a known disease mechanism for NF1 in this disorder (PMID:34427956;10712197;23913538;10543400) (PVS1). This variant is absent from control populations (PM2). Based on the current evidence, this variant is classified as likely pathogenic for autosomal dominant NF1-related disorders.

Quest Diagnostics Nichols Institute San Juan Capistrano
Classification: Pathogenic. Last evaluated: 2025-04-07. Review status: criteria provided, single submitter. Criteria: Quest Diagnostics criteria. Collection method: clinical testing. Allele origin: unknown.
Comment: The NF1 c.4203T>G (p.Tyr1401*) variant causes the premature termination of NF1 protein synthesis. This variant has been reported in the published literature in individuals with neurofibromatosis 1 (NF1) (PMID: 31573083 (2020), 20108390 (2010)). This variant has not been reported in large, multi-ethnic general populations (Genome Aggregation Database). Based on the available information, this variant is classified as pathogenic.

Ambry Genetics
Classification: Pathogenic for Cardiovascular phenotype; Hereditary cancer-predisposing syndrome. Last evaluated: 2024-06-25. Review status: criteria provided, single submitter. Criteria: Ambry Variant Classification Scheme 2023. Collection method: clinical testing. Allele origin: germline.
Comment: The p.Y1401* pathogenic mutation (also known as c.4203T>G), located in coding exon 31 of the NF1 gene, results from a T to G substitution at nucleotide position 4203. This changes the amino acid from a tyrosine to a stop codon within coding exon 31. This variant was reported in an individual who met clinical criteria for Neurofibromatosis type 1 (Castellanos E et al. Clin Genet, 2020 Feb;97:264-275). This variant is considered to be rare based on population cohorts in the Genome Aggregation Database (gnomAD). This alteration is expected to result in loss of function by premature protein truncation or nonsense-mediated mRNA decay. As such, this alteration is interpreted as a disease-causing mutation.

GeneDx
Classification: Pathogenic. Last evaluated: 2023-05-30. Review status: criteria provided, single submitter. Criteria: GeneDx Variant Classification Process June 2021. Collection method: clinical testing. Allele origin: germline. Affected: yes.
Comment: Nonsense variant predicted to result in protein truncation or nonsense mediated decay in a gene for which loss of function is a known mechanism of disease; Not observed at significant frequency in large population cohorts (gnomAD); Has not been previously published as pathogenic or benign to our knowledge; This variant is associated with the following publications: (PMID: 25525159, 23913538, 20108390, 10712197, 35159047)

Blueprint Genetics
Classification: Pathogenic for NF1-related disorders. Last evaluated: 2022-12-10. Review status: criteria provided, single submitter. Criteria: ACMG Guidelines, 2015. Collection method: clinical testing. Allele origin: germline. Affected: yes. Observed: 2 variant alleles.

Labcorp Genetics (formerly Invitae), Labcorp
Classification: Pathogenic for Neurofibromatosis, type 1. Last evaluated: 2021-09-21. Review status: criteria provided, single submitter. Criteria: Invitae Variant Classification Sherloc (09022015). Collection method: clinical testing. Allele origin: germline.
Comment: For these reasons, this variant has been classified as Pathogenic. Algorithms developed to predict the effect of sequence changes on RNA splicing suggest that this variant may create or strengthen a splice site. This variant has not been reported in the literature in individuals affected with NF1-related conditions. This variant is not present in population databases (ExAC no frequency). This sequence change creates a premature translational stop signal (p.Tyr1401*) in the NF1 gene. It is expected to result in an absent or disrupted protein product. Loss-of-function variants in NF1 are known to be pathogenic (PMID: 10712197, 23913538).

Literature cited by the submitters: PubMed 34427956 (cited by Variantyx, Inc.); PubMed 10712197 (cited by Variantyx, Inc. and Labcorp Genetics (formerly Invitae), Labcorp); PubMed 23913538 (cited by Variantyx, Inc. and Labcorp Genetics (formerly Invitae), Labcorp); PubMed 10543400 (cited by Variantyx, Inc.); PubMed 31573083 (cited by Ambry Genetics).

NM_001042492.3(NF1):c.4266T>G (p.Tyr1422Ter)

Gene: NF1 (neurofibromin 1; plus strand). Cytogenetic location: 17q11.2.
Variant type: single nucleotide variant.
Coding change: c.4266T>G on transcript NM_001042492.3 (MANE Select); coding-DNA position 4266, T replaced by G.
Protein change: p.Tyr1422Ter; replaces tyrosine 1422 with a stop codon.
Molecular consequence: nonsense.
Genome position (GRCh38, 1-based): chr17:31,258,436, T>G. VCF-style: chr17-31258436-T-G. GRCh37 (hg19) VCF-style: chr17-29585454-T-G.
Other names: c.4203T>G, p.Tyr1401Ter (NM_000267.4); short protein forms Y1401*, Y1422*.
Identifiers: ClinVar variation 1451830 (VCV001451830.11), dbSNP rs2151462060, ClinGen allele CA398997948.
Genomic context (GRCh38, chr17:31,258,436, plus strand): 5'-CGGTGCAGTAGGAAGTGCCATGTTCCTCAGATTTATCAATCCTGCCATTGTCTCACCGTA[T>G]GAAGCAGGGATTTTAGATAAAAAGCCACCACCTAGAATCGAAAGGGGCTTGAAGTTAATG-3'